The following is an entry in ClinVar:

ClinVar aggregate classification (germline): Uncertain significance. Review status: criteria provided, multiple submitters, no conflicts (2 of 4 stars). 2 submissions from 2 submitters: Uncertain significance (2). Last evaluated 2023-07-30.

Conditions:
Inborn genetic diseases. Identifiers: MedGen C0950123, MeSH D030342.

Allele frequency attached by ClinVar (database versions not stated): gnomAD exomes below 0.00001; ExAC 0.00001; 1000 Genomes Project 0.00020; 1000 Genomes Project 30x 0.00031.
gnomAD v4.1: 4 of 1,613,332 alleles (0.00025%); highest among the groups gnomAD compares: African/African-American, 0.0027%; no homozygotes.

Submissions (2):

Ambry Genetics
Classification: Uncertain significance for Inborn genetic diseases. Last evaluated: 2023-07-30. Review status: criteria provided, single submitter. Criteria: Ambry Variant Classification Scheme 2023. Collection method: clinical testing. Allele origin: germline.

Labcorp Genetics (formerly Invitae), Labcorp
Classification: Uncertain significance. Last evaluated: 2022-11-05. Review status: criteria provided, single submitter. Criteria: Invitae Variant Classification Sherloc (09022015). Collection method: clinical testing. Allele origin: germline.
Comment: This sequence change replaces arginine, which is basic and polar, with glutamine, which is neutral and polar, at codon 1015 of the ATR protein (p.Arg1015Gln). This variant is present in population databases (rs564283952, gnomAD 0.008%). In summary, the available evidence is currently insufficient to determine the role of this variant in disease. Therefore, it has been classified as a Variant of Uncertain Significance. Algorithms developed to predict the effect of missense changes on protein structure and function are either unavailable or do not agree on the potential impact of this missense change (SIFT: "Tolerated"; PolyPhen-2: "Possibly Damaging"; Align-GVGD: "Class C0"). This variant has not been reported in the literature in individuals affected with ATR-related conditions.

NM_001184.4(ATR):c.3044G>A (p.Arg1015Gln)

Gene: ATR (ATR checkpoint kinase; minus strand). Cytogenetic location: 3q23.
Variant type: single nucleotide variant.
Coding change: c.3044G>A on transcript NM_001184.4 (MANE Select); coding-DNA position 3044, G replaced by A.
Protein change: p.Arg1015Gln; replaces arginine 1015 with glutamine.
Molecular consequence: missense variant.
Genome position (GRCh38, 1-based): chr3:142,549,606, C>T on the plus strand (G>A on the coding strand, the complement: ATR is on the minus strand). VCF-style: chr3-142549606-C-T. GRCh37 (hg19) VCF-style: chr3-142268448-C-T.
Other names: c.2852G>A, p.Arg951Gln (NM_001354579.2); short protein forms R1015Q, R951Q.
Identifiers: ClinVar variation 2597087 (VCV002597087.3), dbSNP rs564283952, ClinGen allele CA2650213.